The following is an entry in ClinVar:

NM_004371.4(COPA):c.2291C>T (p.Thr764Ile)

Gene: COPA (coat protein complex I subunit alpha; minus strand). Cytogenetic location: 1q23.2.
Variant type: single nucleotide variant.
Coding change: c.2291C>T on transcript NM_004371.4 (MANE Select); coding-DNA position 2291, C replaced by T.
Protein change: p.Thr764Ile; replaces threonine 764 with isoleucine.
Molecular consequence: missense variant.
Genome position (GRCh38, 1-based): chr1:160,296,122, G>A on the plus strand (C>T on the coding strand, the complement: COPA is on the minus strand). VCF-style: chr1-160296122-G-A. GRCh37 (hg19) VCF-style: chr1-160265912-G-A.
Other names: c.2318C>T, p.Thr773Ile (NM_001098398.2); short protein forms T773I, T764I.
Identifiers: ClinVar variation 2877330 (VCV002877330.3), dbSNP rs1231813336, ClinGen allele CA343276879.

ClinVar aggregate classification (germline): Uncertain significance (1 of 4 stars; one submission).

Conditions:
Autoimmune interstitial lung disease-arthritis syndrome. Also called: Autoinflammation and autoimmunity, systemic, with immune dysregulation. Identifiers: Orphanet 444092, MedGen C5975714, MONDO:0014629.

Allele frequency attached by ClinVar (database versions not stated): TOPMed below 0.00001; gnomAD 0.00003.
gnomAD v4.1: 4 of 1,614,166 alleles (0.00025%); highest among the groups gnomAD compares: Admixed American, 0.0067%; 1 homozygote.

Submission:

Labcorp Genetics (formerly Invitae), Labcorp
Classification: Uncertain significance for Autoimmune interstitial lung disease-arthritis syndrome. Last evaluated: 2024-07-03. Review status: criteria provided, single submitter. Criteria: Invitae Variant Classification Sherloc (09022015). Collection method: clinical testing. Allele origin: germline.
Comment: This sequence change replaces threonine, which is neutral and polar, with isoleucine, which is neutral and non-polar, at codon 764 of the COPA protein (p.Thr764Ile). This variant is not present in population databases (gnomAD no frequency). This variant has not been reported in the literature in individuals affected with COPA-related conditions. Advanced modeling of protein sequence and biophysical properties (such as structural, functional, and spatial information, amino acid conservation, physicochemical variation, residue mobility, and thermodynamic stability) performed at Invitae indicates that this missense variant is not expected to disrupt COPA protein function with a negative predictive value of 80%. In summary, the available evidence is currently insufficient to determine the role of this variant in disease. Therefore, it has been classified as a Variant of Uncertain Significance.